The following is an entry in ClinVar:

NM_001626.6(AKT2):c.641C>T (p.Ala214Val)

Gene: AKT2 (AKT serine/threonine kinase 2; minus strand). Cytogenetic location: 19q13.2.
Variant type: single nucleotide variant.
Coding change: c.641C>T on transcript NM_001626.6 (MANE Select); coding-DNA position 641, C replaced by T.
Protein change: p.Ala214Val; replaces alanine 214 with valine.
Molecular consequence: missense variant.
Genome position (GRCh38, 1-based): chr19:40,238,972, G>A on the plus strand (C>T on the coding strand, the complement: AKT2 is on the minus strand). VCF-style: chr19-40238972-G-A. GRCh37 (hg19) VCF-style: chr19-40744879-G-A.
Other names: c.641C>T (NM_001626.5); c.455C>T, p.Ala152Val (NM_001243027.3, NM_001243028.3); c.641C>T, p.Ala214Val (NM_001330511.1); short protein forms A214V, A152V.
Identifiers: ClinVar variation 2065657 (VCV002065657.6), dbSNP rs758767505, ClinGen allele CA9441737.

ClinVar aggregate classification (germline): Uncertain significance. Review status: criteria provided, multiple submitters, no conflicts (2 of 4 stars). 3 submissions from 3 submitters: Uncertain significance (3). Last evaluated 2025-11-20.

Conditions:
Type 2 diabetes mellitus. Also called: Type II diabetes mellitus. Identifiers: MedGen C0011860, MeSH D003924, MONDO:0005148, OMIM 125853, HP:0005978.
Hypoinsulinemic hypoglycemia and body hemihypertrophy. Also called: Hypoinsulinemic hypoglycemia and hemihypertrophy. Identifiers: Orphanet 293964, MedGen C3278384, MONDO:0009416, OMIM 240900.
AKT2-related disorder. Also called: AKT2-related condition.

gnomAD v4.1: 84 of 1,613,760 alleles (0.0052%); highest among the groups gnomAD compares: Middle Eastern, 0.016%; no homozygotes.

Submissions (3):

Women's Health and Genetics/Laboratory Corporation of America, LabCorp
Classification: Uncertain significance. Last evaluated: 2025-11-20. Review status: criteria provided, single submitter. Criteria: LabCorp Variant Classification Summary - May 2015. Collection method: clinical testing. Allele origin: germline.
Comment: Variant summary: AKT2 c.641C>T (p.Ala214Val) results in a non-conservative amino acid change in the encoded protein sequence. Algorithms developed to predict the effect of missense changes on protein structure and function are either unavailable or do not agree on the potential impact of this missense change. Consensus agreement among computation tools predict no significant impact on normal splicing. However, these predictions have yet to be confirmed by functional studies. The variant allele was found at a frequency of 2e-05 in 250460 control chromosomes (gnomAD). The available data on variant occurrences in the general population are insufficient to allow any conclusion about variant significance. c.641C>T has been observed in one individual affected with dyslipidemia and metabolic disorders (Dron_2020). The report does not provide unequivocal conclusions about association of the variant with AKT2-Related Disorders. To our knowledge, no experimental evidence demonstrating an impact on protein function has been reported. The following publication have been ascertained in the context of this evaluation (PMID: 32041611). ClinVar contains an entry for this variant (Variation ID: 2065657). Based on the evidence outlined above, the variant was classified as uncertain significance.

Labcorp Genetics (formerly Invitae), Labcorp
Classification: Uncertain significance for Hypoinsulinemic hypoglycemia and body hemihypertrophy; Type 2 diabetes mellitus. Last evaluated: 2024-10-15. Review status: criteria provided, single submitter. Criteria: Invitae Variant Classification Sherloc (09022015). Collection method: clinical testing. Allele origin: germline.
Comment: This sequence change replaces alanine, which is neutral and non-polar, with valine, which is neutral and non-polar, at codon 214 of the AKT2 protein (p.Ala214Val). This variant is present in population databases (rs758767505, gnomAD 0.006%). This variant has not been reported in the literature in individuals affected with AKT2-related conditions. ClinVar contains an entry for this variant (Variation ID: 2065657). An algorithm developed to predict the effect of missense changes on protein structure and function (PolyPhen-2) suggests that this variant is likely to be tolerated. In summary, the available evidence is currently insufficient to determine the role of this variant in disease. Therefore, it has been classified as a Variant of Uncertain Significance.

PreventionGenetics, part of Exact Sciences
Classification: Uncertain significance for AKT2-related condition. Last evaluated: 2023-03-24. Review status: criteria provided, single submitter. Criteria: ACMG Guidelines, 2015. Collection method: clinical testing. Allele origin: germline.
Comment: The AKT2 c.641C>T variant is predicted to result in the amino acid substitution p.Ala214Val. This variant has been reported as a variant of uncertain significance in a cohort study of patients with dyslipidemias; however, no additional studies were done to assess its pathogenicity (Dron et al. 2020. PubMed ID: 32041611). This variant is reported in 0.0056% of alleles in individuals of Latino descent in gnomAD. At this time, the clinical significance of this variant is uncertain due to the absence of conclusive functional and genetic evidence.

Literature cited by the submitters: PubMed 32041611 (cited by Women's Health and Genetics/Laboratory Corporation of America, LabCorp).